The following is an entry in ClinVar:

ClinVar aggregate classification (germline): Likely pathogenic. Review status: criteria provided, single submitter (1 of 4 stars). 2 submissions from 2 submitters: Likely pathogenic (1). 1 of the submissions does not count toward it. Last evaluated 2022-08-09.

Conditions:
Biotinidase deficiency. Also called: BTD deficiency; Late-onset biotin-responsive multiple carboxylase deficiency; Biotin deficiency. Identifiers: Orphanet 79241, MedGen C0220754, MONDO:0009665, OMIM 253260.

Allele frequency attached by ClinVar (database versions not stated): gnomAD exomes below 0.00001.

Submissions (2):

Labcorp Genetics (formerly Invitae), Labcorp
Classification: Likely pathogenic for Biotinidase deficiency. Last evaluated: 2022-08-09. Review status: criteria provided, single submitter. Criteria: Invitae Variant Classification Sherloc (09022015). Collection method: clinical testing. Allele origin: germline.
Comment: In summary, the currently available evidence indicates that the variant is pathogenic, but additional data are needed to prove that conclusively. Therefore, this variant has been classified as Likely Pathogenic. Algorithms developed to predict the effect of missense changes on protein structure and function are either unavailable or do not agree on the potential impact of this missense change (SIFT: "Tolerated"; PolyPhen-2: "Possibly Damaging"; Align-GVGD: "Class C0"). This variant is not present in population databases (gnomAD no frequency). This sequence change replaces alanine, which is neutral and non-polar, with threonine, which is neutral and polar, at codon 100 of the BTD protein (p.Ala100Thr). This missense change has been observed in individual(s) with biotinidase deficicency (PMID: 12359137, 25144890, 25754625; Invitae). In at least one individual the data is consistent with being in trans (on the opposite chromosome) from a pathogenic variant.

Natera, Inc.
Classification: Likely pathogenic for Biotinidase deficiency. Last evaluated: 2022-04-14. Review status: no assertion criteria provided. Collection method: clinical testing. Allele origin: germline. Not counted in ClinVar's aggregate classification.

Literature cited by the submitters: PubMed 12359137 (cited by Labcorp Genetics (formerly Invitae), Labcorp); PubMed 25144890 (cited by Labcorp Genetics (formerly Invitae), Labcorp); PubMed 25754625 (cited by Labcorp Genetics (formerly Invitae), Labcorp).

NM_001370658.1(BTD):c.238G>A (p.Ala80Thr)

Gene: BTD (biotinidase; plus strand). Cytogenetic location: 3p25.1.
Variant type: single nucleotide variant.
Coding change: c.238G>A on transcript NM_001370658.1 (MANE Select); coding-DNA position 238, G replaced by A.
Protein change: p.Ala80Thr; replaces alanine 80 with threonine.
Molecular consequence: missense variant.
Genome position (GRCh38, 1-based): chr3:15,635,677, G>A. VCF-style: chr3-15635677-G-A. GRCh37 (hg19) VCF-style: chr3-15677184-G-A.
Other names: c.298G>A, p.Ala100Thr (NM_000060.4); c.238G>A, p.Ala80Thr (NM_001281723.4, NM_001281724.3, NM_001281725.3 and 37 more transcripts); short protein forms A80T.
Identifiers: ClinVar variation 2203312 (VCV002203312.5), dbSNP rs397514350, ClinGen allele CA278181.